The following is an entry in ClinVar:

ClinVar aggregate classification (germline): Uncertain significance (1 of 4 stars; one submission).

Submission:

Ambry Genetics
Classification: Uncertain significance. Last evaluated: 2025-11-15. Review status: criteria provided, single submitter. Criteria: Ambry Variant Classification Scheme 2023. Collection method: clinical testing. Allele origin: germline.
Comment: The p.Q812R variant (also known as c.2435A>G), located in coding exon 23 of the RASA2 gene, results from an A to G substitution at nucleotide position 2435. The glutamine at codon 812 is replaced by arginine, an amino acid with highly similar properties. This amino acid position is conserved. In addition, the in silico prediction for this alteration is inconclusive. Based on the available evidence, the clinical significance of this variant remains unclear.

NM_006506.5(RASA2):c.2435A>G (p.Gln812Arg)

Gene: RASA2 (RAS p21 protein activator 2; plus strand). Cytogenetic location: 3q23.
Variant type: single nucleotide variant.
Coding change: c.2435A>G on transcript NM_006506.5 (MANE Select); coding-DNA position 2435, A replaced by G.
Protein change: p.Gln812Arg; replaces glutamine 812 with arginine.
Molecular consequence: missense variant.
Genome position (GRCh38, 1-based): chr3:141,609,982, A>G. VCF-style: chr3-141609982-A-G. GRCh37 (hg19) VCF-style: chr3-141328824-A-G.
Other names: c.2438A>G, p.Gln813Arg (NM_001303245.3); c.2447A>G, p.Gln816Arg (NM_001303246.3); short protein forms Q812R, Q816R, Q813R.
Identifiers: ClinVar variation 4575859 (VCV004575859.1).